The following is an entry in ClinVar:

ClinVar aggregate classification (germline): Benign. Review status: criteria provided, multiple submitters, no conflicts (2 of 4 stars). 7 submissions from 7 submitters: Benign (7). Last evaluated 2026-02-03.

Conditions:
Pseudohypoaldosteronism type 2E (PHA2E). Also called: Pseudohypoaldosteronism Type IIE. Identifiers: Orphanet 300530, Orphanet 757, MedGen C3469606, MONDO:0013782, OMIM 614496.

Allele frequency attached by ClinVar (database versions not stated): ESP Exome Variant Server 0.07120; gnomAD 0.08330 and 0.09030; TOPMed 0.09413; gnomAD exomes 0.10496 and 0.13132; ExAC 0.12798; 1000 Genomes Project 30x 0.13695; 1000 Genomes Project 0.13938.
gnomAD v4.1: 167,145 of 1,609,540 alleles (10%); highest among the groups gnomAD compares: East Asian, 29%; 10,865 homozygotes.

Submissions (7):

Labcorp Genetics (formerly Invitae), Labcorp
Classification: Benign. Last evaluated: 2026-02-03. Review status: criteria provided, single submitter. Criteria: Invitae Variant Classification Sherloc (09022015). Collection method: clinical testing. Allele origin: germline.

Blueprint Genetics
Classification: Benign. Last evaluated: 2024-11-26. Review status: criteria provided, single submitter. Criteria: ACMG Guidelines, 2015. Collection method: clinical testing. Allele origin: germline.

Mayo Clinic Laboratories, Mayo Clinic
Classification: Benign. Last evaluated: 2022-03-09. Review status: criteria provided, single submitter. Criteria: ACMG Guidelines, 2015. Collection method: clinical testing. Allele origin: germline. Observed: 36 variant alleles.

GeneDx
Classification: Benign. Last evaluated: 2018-11-12. Review status: criteria provided, single submitter. Criteria: GeneDx Variant Classification Process June 2021. Collection method: clinical testing. Allele origin: germline. Affected: yes.

Illumina Laboratory Services, Illumina
Classification: Benign for Pseudohypoaldosteronism type 2E. Last evaluated: 2018-01-13. Review status: criteria provided, single submitter. Criteria: ICSL Variant Classification Criteria 13 December 2019. Collection method: clinical testing. Allele origin: germline.
Comment: This variant was observed in the ICSL laboratory as part of a predisposition screen in an ostensibly healthy population. It had not been previously curated by ICSL or reported in the Human Gene Mutation Database (HGMD: prior to June 1st, 2018), and was therefore a candidate for classification through an automated scoring system. Utilizing variant allele frequency, disease prevalence and penetrance estimates, and inheritance mode, an automated score was calculated to assess if this variant is too frequent to cause the disease. Based on the score and internal cut-off values, a variant classified as benign is not then subjected to further curation. The score for this variant resulted in a classification of benign for this disease.

Breakthrough Genomics
Classification: Benign. Review status: criteria provided, single submitter. Criteria: ACMG Guidelines, 2015. Collection method: not provided. Allele origin: germline. Inheritance: Autosomal dominant inheritance. Affected: yes.

PreventionGenetics, part of Exact Sciences
Classification: Benign. Review status: criteria provided, single submitter. Criteria: ACMG Guidelines, 2015. Collection method: clinical testing. Allele origin: germline.

NM_003590.5(CUL3):c.1699G>A (p.Val567Ile)

Gene: CUL3 (cullin 3; minus strand). Cytogenetic location: 2q36.2.
Variant type: single nucleotide variant.
Coding change: c.1699G>A on transcript NM_003590.5 (MANE Select); coding-DNA position 1699, G replaced by A.
Protein change: p.Val567Ile; replaces valine 567 with isoleucine.
Molecular consequence: missense variant.
Genome position (GRCh38, 1-based): chr2:224,497,761, C>T on the plus strand (G>A on the coding strand, the complement: CUL3 is on the minus strand). VCF-style: chr2-224497761-C-T. GRCh37 (hg19) VCF-style: chr2-225362478-C-T.
Other names: c.1501G>A, p.Val501Ile (NM_001257197.2); c.1717G>A, p.Val573Ile (NM_001257198.2); short protein forms V567I, V573I, V501I.
Identifiers: ClinVar variation 259091 (VCV000259091.19), dbSNP rs3738952, ClinGen allele CA2139914.
Genomic context (GRCh38, chr2:224,497,761, plus strand): 5'-TCTAATAGACTAACTTTAAGTTACTTAATACGTTCAAACTATCAATATTTACCTTTTTAA[C>T]TGGTCCATAAAATGTGGCATTGAGATCTGCAGAACCCATATGATGCTGGAGTGTGAGCTG-3'
Protein context (NP_003581.1, residues 557-577): ADLNATFYGP[Val567Ile]KKEDGSEVGV